The following is an entry in ClinVar:

ClinVar aggregate classification (germline): Uncertain significance (1 of 4 stars; one submission).

Allele frequency attached by ClinVar (database versions not stated): gnomAD 0.00001; gnomAD exomes 0.00001.
gnomAD v4.1: 14 of 1,613,958 alleles (0.00087%); highest among the groups gnomAD compares: Non-Finnish European, 0.0011%; no homozygotes.

Submission:

Labcorp Genetics (formerly Invitae), Labcorp
Classification: Uncertain significance. Last evaluated: 2023-11-18. Review status: criteria provided, single submitter. Criteria: Invitae Variant Classification Sherloc (09022015). Collection method: clinical testing. Allele origin: germline.
Comment: This sequence change replaces glutamic acid, which is acidic and polar, with glutamine, which is neutral and polar, at codon 232 of the PAX3 protein (p.Glu232Gln). This variant is not present in population databases (gnomAD no frequency). This variant has not been reported in the literature in individuals affected with PAX3-related conditions. Advanced modeling of protein sequence and biophysical properties (such as structural, functional, and spatial information, amino acid conservation, physicochemical variation, residue mobility, and thermodynamic stability) performed at Invitae indicates that this missense variant is not expected to disrupt PAX3 protein function with a negative predictive value of 80%. In summary, the available evidence is currently insufficient to determine the role of this variant in disease. Therefore, it has been classified as a Variant of Uncertain Significance.

NM_181458.4(PAX3):c.694G>C (p.Glu232Gln)

Gene: PAX3 (paired box 3; minus strand). Cytogenetic location: 2q36.1.
Variant type: single nucleotide variant.
Coding change: c.694G>C on transcript NM_181458.4 (MANE Select); coding-DNA position 694, G replaced by C.
Protein change: p.Glu232Gln; replaces glutamic acid 232 with glutamine.
Molecular consequence: missense variant.
Genome position (GRCh38, 1-based): chr2:222,232,176, C>G on the plus strand (G>C on the coding strand, the complement: PAX3 is on the minus strand). VCF-style: chr2-222232176-C-G. GRCh37 (hg19) VCF-style: chr2-223096895-C-G.
Other names: c.691G>C, p.Glu231Gln (NM_001127366.3); c.694G>C, p.Glu232Gln (NM_181457.4, NM_181459.4, NM_181460.4 and 1 more transcripts); short protein forms E232Q, E231Q.
Identifiers: ClinVar variation 2775992 (VCV002775992.3), dbSNP rs1692622294, ClinGen allele CA351112514.